The following is an entry in ClinVar:

GRCh37/hg19 2q24.3(chr2:166899878-166920402)x1

Gene: SCN1A (sodium voltage-gated channel alpha subunit 1; minus strand). Cytogenetic location: 2q24.3.
Variant type: copy number loss.
Change: copy number 1 (one copy instead of two) of chr2:166,899,878-166,920,402 (20.5 kb, GRCh37 coordinates, 1-based), cytogenetic band 2q24.3.
Identifiers: ClinVar variation 2684830 (VCV002684830.1).

ClinVar aggregate classification (germline): Pathogenic (1 of 4 stars; one submission).

Submission:

Quest Diagnostics Nichols Institute San Juan Capistrano
Classification: Pathogenic. Last evaluated: 2022-12-21. Review status: criteria provided, single submitter. Criteria: ACMG/ClinGen CNV Guidelines, 2019. Collection method: clinical testing. Allele origin: unknown.
Comment: This loss involves multiple exons (NM_001165963.4) of an intragenic portion of SCN1A (OMIM 182389). Heterozygous missense and loss-of-function variants of SCN1A are associated with a spectrum of autosomal dominant neurological disorders (Cetica 2017, Depienne 2009, Esterhuizen 2018, Hattori 2008, Le Gal 2014, Lindy 2018, Marini 2007). There is one similar copy number loss of this region in the general populations of the Database of Genomic Variants (though the possibility of incomplete ascertainment of mild familial febrile seizure phenotypes and inclusion in the control datasets cannot be excluded). Thus, this copy number variant (CNV) is classified as pathogenic. References: Cetica et al., Neurology. 2017 Mar 14;88(11):1037-1044. PMID: 28202706 Depienne et al., J Med Genet. 2009 Mar;46(3):183-91. PMID: 18930999 Esterhuizen et al., Seizure. 2018 Nov;62:99-105. PMID: 30321769 Hattori et al., Epilepsia. 2008 Apr;49(4):626-33. PMID: 18076640 Le Gal et al., Epilepsy Res. 2014 May;108(4):740-7. PMID: 24679980 Lindy et al., Epilepsia. 2018 May;59(5):1062-1071. PMID: 29655203 Marini et al., Epilepsia. 2007 Sep;48(9):1678-1685. PMID: 17561957